The following is an entry in ClinVar:

ClinVar aggregate classification (germline): Likely benign (0 of 4 stars; one submission).

Conditions:
CSNK1D-related disorder. Also called: CSNK1D-related condition.

Allele frequency attached by ClinVar (database versions not stated): ESP Exome Variant Server 0.00023; TOPMed 0.00038; gnomAD 0.00039; ExAC 0.00056; gnomAD exomes 0.00062.
gnomAD v4.1: 986 of 1,613,982 alleles (0.061%); highest among the groups gnomAD compares: Admixed American, 0.12%; 4 homozygotes.

Submission:

PreventionGenetics, part of Exact Sciences
Classification: Likely benign for CSNK1D-related condition. Last evaluated: 2019-09-18. Review status: no assertion criteria provided. Collection method: clinical testing. Allele origin: germline.
Comment: This variant is classified as likely benign based on ACMG/AMP sequence variant interpretation guidelines (Richards et al. 2015 PMID: 25741868, with internal and published modifications).

NM_001893.6(CSNK1D):c.864C>T (p.Phe288=)

Gene: CSNK1D (casein kinase 1 delta; minus strand). Cytogenetic location: 17q25.3.
Variant type: single nucleotide variant.
Coding change: c.864C>T on transcript NM_001893.6 (MANE Select); coding-DNA position 864, C replaced by T.
Protein change: p.Phe288=; no amino-acid change (phenylalanine 288 retained).
Molecular consequence: synonymous variant. On other transcripts: non-coding transcript variant (1).
Genome position (GRCh38, 1-based): chr17:82,251,400, G>A on the plus strand (C>T on the coding strand, the complement: CSNK1D is on the minus strand). VCF-style: chr17-82251400-G-A. GRCh37 (hg19) VCF-style: chr17-80209276-G-A.
Other names: c.864C>T, p.Phe288= (NM_001363749.2, NM_139062.4).
Identifiers: ClinVar variation 3040908 (VCV003040908.2), dbSNP rs148622760, ClinGen allele CA8855561.